The following is an entry in ClinVar:

ClinVar aggregate classification (germline): Uncertain significance (1 of 4 stars; one submission).

Conditions:
MAP1A-related disorder. Also called: MAP1A-related condition.

gnomAD v4.1: 1 of 1,613,944 alleles (0.000062%); highest among the groups gnomAD compares: Admixed American, 0.0017%; no homozygotes.

Submission:

PreventionGenetics, part of Exact Sciences
Classification: Uncertain significance for MAP1A-related condition. Last evaluated: 2026-07-06. Review status: criteria provided, single submitter. Criteria: ACMG Guidelines, 2015. Collection method: clinical testing. Allele origin: germline.
Comment: The MAP1A c.8288T>C variant is predicted to result in the amino acid substitution p.Val2763Ala. To our knowledge, this variant has not been reported in the literature or in a large population database (gnomAD), indicating this variant is rare. At this time, the clinical significance of this variant is uncertain due to the absence of conclusive functional and genetic evidence.

NM_002373.6(MAP1A):c.8288T>C (p.Val2763Ala)

Gene: MAP1A (microtubule associated protein 1A; plus strand). Cytogenetic location: 15q15.3.
Variant type: single nucleotide variant.
Coding change: c.8288T>C on transcript NM_002373.6 (MANE Select); coding-DNA position 8288, T replaced by C.
Protein change: p.Val2763Ala; replaces valine 2763 with alanine.
Molecular consequence: missense variant.
Genome position (GRCh38, 1-based): chr15:43,530,100, T>C. VCF-style: chr15-43530100-T-C. GRCh37 (hg19) VCF-style: chr15-43822298-T-C.
Other names: c.9002T>C, p.Val3001Ala (NM_001411089.1); short protein forms V2763A, V3001A.
Identifiers: ClinVar variation 4980242 (VCV004980242.1).